The following is an entry in ClinVar:

NM_000257.4(MYH7):c.3853+6C>A

Gene: MYH7 (myosin heavy chain 7; minus strand). Cytogenetic location: 14q11.2.
Variant type: single nucleotide variant.
Coding change: c.3853+6C>A on transcript NM_000257.4 (MANE Select); 6 bases into the intron after coding-DNA position 3853, C replaced by A.
Molecular consequence: intron variant.
Genome position (GRCh38, 1-based): chr14:23,419,477, G>T on the plus strand (C>A on the coding strand, the complement: MYH7 is on the minus strand). VCF-style: chr14-23419477-G-T. GRCh37 (hg19) VCF-style: chr14-23888686-G-T.
Identifiers: ClinVar variation 1360970 (VCV001360970.8), dbSNP rs373681246, ClinGen allele CA039239.

ClinVar aggregate classification (germline): Uncertain significance. Review status: criteria provided, multiple submitters, no conflicts (2 of 4 stars). 2 submissions from 2 submitters: Uncertain significance (2). Last evaluated 2025-12-10.

Conditions:
Cardiomyopathy (CMYO). Also called: Cardiomyopathies. Identifiers: Orphanet 167848, MedGen C0878544, MONDO:0004994, HP:0001638. Inheritance: Various modes of inheritance.
Hypertrophic cardiomyopathy. Also called: HYPERTROPHIC MYOCARDIOPATHY. Identifiers: Orphanet 217569, MedGen C0007194, MeSH D002312, MONDO:0005045, HP:0001639.

Allele frequency attached by ClinVar (database versions not stated): gnomAD exomes below 0.00001; ExAC 0.00001; gnomAD 0.00001; TOPMed 0.00001; ESP Exome Variant Server 0.00008.

Submissions (2):

Labcorp Genetics (formerly Invitae), Labcorp
Classification: Uncertain significance for Hypertrophic cardiomyopathy. Last evaluated: 2025-12-10. Review status: criteria provided, single submitter. Criteria: Invitae Variant Classification Sherloc (09022015). Collection method: clinical testing. Allele origin: germline.
Comment: This sequence change falls in intron 28 of the MYH7 gene. It does not directly change the encoded amino acid sequence of the MYH7 protein. It affects a nucleotide within the consensus splice site. This variant is not present in population databases (gnomAD no frequency). This variant has not been reported in the literature in individuals affected with MYH7-related conditions. ClinVar contains an entry for this variant (Variation ID: 1360970). Variants that disrupt the consensus splice site are a relatively common cause of aberrant splicing (PMID: 17576681, 9536098). Algorithms developed to predict the effect of sequence changes on RNA splicing suggest that this variant is not likely to affect RNA splicing. In summary, the available evidence is currently insufficient to determine the role of this variant in disease. Therefore, it has been classified as a Variant of Uncertain Significance.

All of Us Research Program, National Institutes of Health
Classification: Uncertain significance for Cardiomyopathy. Last evaluated: 2024-06-11. Review status: criteria provided, single submitter. Criteria: ACMG Guidelines, 2015. Collection method: clinical testing. Allele origin: germline. Inheritance: Autosomal dominant inheritance. Observed: 5 variant alleles, 5 heterozygotes.
Comment: This variant causes a C to A nucleotide substitution at the +6 position of intron 28 of the MYH7 gene. To our knowledge, functional studies have not been reported for this variant. This variant has not been reported in individuals affected with MYH7-related disorders in the literature. This variant has been identified in 1/251354 chromosomes in the general population by the Genome Aggregation Database (gnomAD). The available evidence is insufficient to determine the role of this variant in disease conclusively. Therefore, this variant is classified as a Variant of Uncertain Significance.

This study involves interpretation of variants in research participants for the purpose of population health screening. Participant phenotype was not available at the time of variant classification. Additional details can be found in publication PMID: 35346344, PMCID: PMC8962531

Literature cited by the submitters: PubMed 17576681 (cited by Labcorp Genetics (formerly Invitae), Labcorp); PubMed 9536098 (cited by Labcorp Genetics (formerly Invitae), Labcorp).